The following is an entry in ClinVar:

NM_007186.6(CEP250):c.4075C>T (p.His1359Tyr)

Gene: CEP250 (centrosomal protein 250; plus strand). Cytogenetic location: 20q11.22.
Variant type: single nucleotide variant.
Coding change: c.4075C>T on transcript NM_007186.6 (MANE Select); coding-DNA position 4075, C replaced by T.
Protein change: p.His1359Tyr; replaces histidine 1359 with tyrosine.
Molecular consequence: missense variant.
Genome position (GRCh38, 1-based): chr20:35,502,444, C>T. VCF-style: chr20-35502444-C-T. GRCh37 (hg19) VCF-style: chr20-34090272-C-T.
Other names: c.2179C>T, p.His727Tyr (NM_001318219.1); short protein forms H727Y, H1359Y.
Identifiers: ClinVar variation 1369484 (VCV001369484.3), dbSNP rs370016988, ClinGen allele CA9833655.
Genomic context (GRCh38, chr20:35,502,444, plus strand): 5'-TTCTAGGGTGAGCGAGAGTTACTTCAGGCAGCCAAGGAGAACCTGACAGCCCAGGTGGAA[C>T]ACCTGCAAGCAGCTGTCGTAGAAGCCAGGGCTCAGGCAAGTGCTGCTGGCATCCTGGAAG-3'
Protein context (NP_009117.2, residues 1349-1369): AKENLTAQVE[His1359Tyr]LQAAVVEARA

ClinVar aggregate classification (germline): Uncertain significance (1 of 4 stars; one submission).

Allele frequency attached by ClinVar (database versions not stated): TOPMed below 0.00001; gnomAD 0.00001; gnomAD exomes 0.00001; ExAC 0.00003; ESP Exome Variant Server 0.00008.
gnomAD v4.1: 4 of 1,613,990 alleles (0.00025%); highest among the groups gnomAD compares: Non-Finnish European, 0.00034%; no homozygotes.

Submission:

Labcorp Genetics (formerly Invitae), Labcorp
Classification: Uncertain significance. Last evaluated: 2021-10-21. Review status: criteria provided, single submitter. Criteria: Invitae Variant Classification Sherloc (09022015). Collection method: clinical testing. Allele origin: germline.
Comment: This sequence change replaces histidine, which is basic and polar, with tyrosine, which is neutral and polar, at codon 1359 of the CEP250 protein (p.His1359Tyr). This variant is present in population databases (rs370016988, gnomAD 0.003%). This variant has not been reported in the literature in individuals affected with CEP250-related conditions. Algorithms developed to predict the effect of missense changes on protein structure and function are either unavailable or do not agree on the potential impact of this missense change (SIFT: "Not Available"; PolyPhen-2: "Possibly Damaging"; Align-GVGD: "Not Available"). In summary, the available evidence is currently insufficient to determine the role of this variant in disease. Therefore, it has been classified as a Variant of Uncertain Significance.